The following is an entry in ClinVar:

ClinVar aggregate classification (germline): Uncertain significance (1 of 4 stars; one submission).

Conditions:
Gingival disorder. Also called: Gingival disease. Identifiers: MedGen C0017563, MONDO:0002021.

Submission:

Labcorp Genetics (formerly Invitae), Labcorp
Classification: Uncertain significance for Gingival disorder. Last evaluated: 2024-05-13. Review status: criteria provided, single submitter. Criteria: Invitae Variant Classification Sherloc (09022015). Collection method: clinical testing. Allele origin: germline.
Comment: This sequence change creates a premature translational stop signal (p.Asp71Glyfs*100) in the FPR1 gene. While this is not anticipated to result in nonsense mediated decay, it is expected to disrupt the last 280 amino acid(s) of the FPR1 protein. This variant is not present in population databases (gnomAD no frequency). This variant has not been reported in the literature in individuals affected with FPR1-related conditions. ClinVar contains an entry for this variant (Variation ID: 2002782). Experimental studies and prediction algorithms are not available or were not evaluated, and the functional significance of this variant is currently unknown. In summary, the available evidence is currently insufficient to determine the role of this variant in disease. Therefore, it has been classified as a Variant of Uncertain Significance.

NM_002029.4(FPR1):c.211dup (p.Asp71fs)

Gene: FPR1 (formyl peptide receptor 1; minus strand). Cytogenetic location: 19q13.41.
Variant type: Duplication.
Coding change: c.211dup on transcript NM_002029.4 (MANE Select); coding-DNA position 211, one base duplicated (G; older notation c.211dupG).
Protein change: p.Asp71fs; shifts the reading frame from aspartic acid 71.
Molecular consequence: frameshift variant.
Genome position (GRCh38, 1-based): chr19:51,746,784, C duplicated on the plus strand (G on the coding strand, the reverse complement: FPR1 is on the minus strand). VCF-style (leftmost placement, unchanged base first): chr19-51746783-T-TC. GRCh37 (hg19) VCF-style: chr19-52250036-T-TC.
Other names: c.211dup, p.Asp71fs (NM_001193306.2); short protein forms D71fs.
Identifiers: ClinVar variation 2002782 (VCV002002782.4), dbSNP rs2513920994, ClinGen allele CA2580097709.
Genomic context (GRCh38, chr19:51,746,783, plus strand): 5'-CAATGTCCTCCCATGGCCTTCCTGACCATGAAGAATGGCAAAGTGGAGGTGAAACAGAAG[T>TC]CAGCCACGGCCAGGTTCAGGTAACTGATGGTGGTGACTGTGTGTGTCATCCGGAATCCAG-3'